The following is an entry in ClinVar:

ClinVar aggregate classification (germline): Conflicting classifications of pathogenicity. Review status: criteria provided, conflicting classifications (1 of 4 stars). 4 submissions from 4 submitters: Uncertain significance (1); Benign (1); Likely benign (2). Last evaluated 2025-08-29.

Conditions:
Hereditary cancer-predisposing syndrome. Also called: Neoplastic Syndromes, Hereditary; Tumor predisposition; Hereditary Cancer Syndrome; Hereditary neoplastic syndrome. Identifiers: Orphanet 140162, MedGen C0027672, MeSH D009386, MONDO:0015356.
Oligodontia-cancer predisposition syndrome. Also called: TOOTH AGENESIS-COLORECTAL CANCER SYNDROME. Identifiers: Orphanet 300576, MedGen C1837750, MONDO:0012075, OMIM 608615. Disease mechanism: loss of function.

Submissions (4):

Quest Diagnostics Nichols Institute San Juan Capistrano
Classification: Uncertain significance. Last evaluated: 2025-08-29. Review status: criteria provided, single submitter. Criteria: Quest Diagnostics criteria. Collection method: clinical testing. Allele origin: unknown.
Comment: The AXIN2 c.2397A>T (p.Gly799=) synonymous variant has not been reported in individuals with AXIN2-related conditions in the published literature. This variant has not been reported in large, multi-ethnic general populations (Genome Aggregation Database). Analysis of this variant using software algorithms for the prediction of the effect of nucleotide changes on AXIN2 mRNA splicing yielded predictions that this variant may result in the gain of a cryptic splice site without affecting the natural splice sites. Based on the available information, we are unable to determine the clinical significance of this variant.

Labcorp Genetics (formerly Invitae), Labcorp
Classification: Likely benign for Oligodontia-cancer predisposition syndrome. Last evaluated: 2025-04-24. Review status: criteria provided, single submitter. Criteria: Invitae Variant Classification Sherloc (09022015). Collection method: clinical testing. Allele origin: germline.

Myriad Genetics, Inc.
Classification: Benign for Oligodontia-cancer predisposition syndrome. Last evaluated: 2024-07-10. Review status: criteria provided, single submitter. Criteria: Myriad Autosomal Dominant, Autosomal Recessive and X-Linked Classification Criteria (2023). Collection method: clinical testing. Allele origin: unknown.
Comment: This variant is considered benign. This variant is a silent/synonymous amino acid change and it is not expected to impact splicing.

Ambry Genetics
Classification: Likely benign for Hereditary cancer-predisposing syndrome. Last evaluated: 2023-08-16. Review status: criteria provided, single submitter. Criteria: Ambry Variant Classification Scheme 2023. Collection method: clinical testing. Allele origin: germline.

NM_004655.4(AXIN2):c.2397A>T (p.Gly799=)

Gene: AXIN2 (axin 2; minus strand). Cytogenetic location: 17q24.1.
Variant type: single nucleotide variant.
Coding change: c.2397A>T on transcript NM_004655.4 (MANE Select); coding-DNA position 2397, A replaced by T.
Protein change: p.Gly799=; no amino-acid change (glycine 799 retained).
Molecular consequence: synonymous variant.
Genome position (GRCh38, 1-based): chr17:65,533,920, T>A on the plus strand (A>T on the coding strand, the complement: AXIN2 is on the minus strand). VCF-style: chr17-65533920-T-A. GRCh37 (hg19) VCF-style: chr17-63530038-T-A.
Other names: c.2397A>T (LRG_296t1); c.2202A>T, p.Gly734= (NM_001363813.1).
Identifiers: ClinVar variation 650638 (VCV000650638.13), dbSNP rs1037067658, ClinGen allele CA501475830.